The following is an entry in ClinVar:

ClinVar aggregate classification (germline): Uncertain significance (1 of 4 stars; one submission).

Conditions:
Neurodegeneration with brain iron accumulation 6 (NBIA6). Also called: COASY protein-associated neurodegeneration. Identifiers: Orphanet 397725, MedGen C4517377, MONDO:0014290, OMIM 615643.

Allele frequency attached by ClinVar (database versions not stated): ExAC 0.00002; gnomAD exomes 0.00002; gnomAD 0.00013; 1000 Genomes Project 30x 0.00016; 1000 Genomes Project 0.00020.
gnomAD v4.1: 53 of 1,614,008 alleles (0.0033%); highest among the groups gnomAD compares: Admixed American, 0.037%; no homozygotes.

Submission:

Labcorp Genetics (formerly Invitae), Labcorp
Classification: Uncertain significance for Neurodegeneration with brain iron accumulation 6. Last evaluated: 2025-11-26. Review status: criteria provided, single submitter. Criteria: Invitae Variant Classification Sherloc (09022015). Collection method: clinical testing. Allele origin: germline.
Comment: This sequence change replaces alanine, which is neutral and non-polar, with valine, which is neutral and non-polar, at codon 510 of the COASY protein (p.Ala510Val). This variant is present in population databases (rs572433547, gnomAD 0.02%). This variant has not been reported in the literature in individuals affected with COASY-related conditions. ClinVar contains an entry for this variant (Variation ID: 2174423). Invitae Evidence Modeling of protein sequence and biophysical properties (such as structural, functional, and spatial information, amino acid conservation, physicochemical variation, residue mobility, and thermodynamic stability) indicates that this missense variant is not expected to disrupt COASY protein function with a negative predictive value of 80%. In summary, the available evidence is currently insufficient to determine the role of this variant in disease. Therefore, it has been classified as a Variant of Uncertain Significance.

NM_025233.7(COASY):c.1529C>T (p.Ala510Val)

Gene: COASY (Coenzyme A synthase; plus strand). Cytogenetic location: 17q21.2.
Variant type: single nucleotide variant.
Coding change: c.1529C>T on transcript NM_025233.7 (MANE Select); coding-DNA position 1529, C replaced by T.
Protein change: p.Ala510Val; replaces alanine 510 with valine.
Molecular consequence: missense variant.
Genome position (GRCh38, 1-based): chr17:42,565,702, C>T. VCF-style: chr17-42565702-C-T. GRCh37 (hg19) VCF-style: chr17-40717720-C-T.
Other names: c.1529C>T, p.Ala510Val (NM_001042529.3); c.1616C>T, p.Ala539Val (NM_001042532.4); short protein forms A510V, A539V.
Identifiers: ClinVar variation 2174423 (VCV002174423.2), dbSNP rs572433547, ClinGen allele CA8578384.